The following is an entry in ClinVar:

NM_138386.3(NAF1):c.709G>T (p.Ala237Ser)

Gene: NAF1 (nuclear assembly factor 1 ribonucleoprotein; minus strand). Cytogenetic location: 4q32.2.
Variant type: single nucleotide variant.
Coding change: c.709G>T on transcript NM_138386.3 (MANE Select); coding-DNA position 709, G replaced by T.
Protein change: p.Ala237Ser; replaces alanine 237 with serine.
Molecular consequence: missense variant.
Genome position (GRCh38, 1-based): chr4:163,145,790, C>A on the plus strand (G>T on the coding strand, the complement: NAF1 is on the minus strand). VCF-style: chr4-163145790-C-A. GRCh37 (hg19) VCF-style: chr4-164066942-C-A.
Other names: c.709G>T, p.Ala237Ser (NM_001128931.2); short protein forms A237S.
Identifiers: ClinVar variation 2973156 (VCV002973156.3), dbSNP rs747368189, ClinGen allele CA3126293.

ClinVar aggregate classification (germline): Uncertain significance (1 of 4 stars; one submission).

Allele frequency attached by ClinVar (database versions not stated): ExAC 0.00002; gnomAD 0.00001; TOPMed 0.00001; gnomAD exomes 0.00007.
gnomAD v4.1: 102 of 1,580,452 alleles (0.0065%); highest among the groups gnomAD compares: Non-Finnish European, 0.0086%; no homozygotes.

Submission:

Labcorp Genetics (formerly Invitae), Labcorp
Classification: Uncertain significance. Last evaluated: 2025-06-09. Review status: criteria provided, single submitter. Criteria: Invitae Variant Classification Sherloc (09022015). Collection method: clinical testing. Allele origin: germline.
Comment: This sequence change replaces alanine, which is neutral and non-polar, with serine, which is neutral and polar, at codon 237 of the NAF1 protein (p.Ala237Ser). The frequency data for this variant in the population databases is considered unreliable, as metrics indicate poor data quality at this position in the gnomAD database. This variant has not been reported in the literature in individuals affected with NAF1-related conditions. ClinVar contains an entry for this variant (Variation ID: 2973156). An algorithm developed to predict the effect of missense changes on protein structure and function (PolyPhen-2) suggests that this variant is likely to be disruptive. In summary, the available evidence is currently insufficient to determine the role of this variant in disease. Therefore, it has been classified as a Variant of Uncertain Significance.